The following is an entry in ClinVar:

NM_017654.4(SAMD9):c.4031T>C (p.Phe1344Ser)

Gene: SAMD9 (sterile alpha motif domain containing 9; minus strand). Cytogenetic location: 7q21.2.
Variant type: single nucleotide variant.
Coding change: c.4031T>C on transcript NM_017654.4 (MANE Select); coding-DNA position 4031, T replaced by C.
Protein change: p.Phe1344Ser; replaces phenylalanine 1344 with serine.
Molecular consequence: missense variant.
Genome position (GRCh38, 1-based): chr7:93,102,067, A>G on the plus strand (T>C on the coding strand, the complement: SAMD9 is on the minus strand). VCF-style: chr7-93102067-A-G. GRCh37 (hg19) VCF-style: chr7-92731380-A-G.
Other names: c.4031T>C, p.Phe1344Ser (NM_001193307.2); short protein forms F1344S.
Identifiers: ClinVar variation 2742052 (VCV002742052.3), dbSNP rs2535354162, ClinGen allele CA368181031.
Genomic context (GRCh38, chr7:93,102,067, plus strand): 5'-CATTTCATAGTGCTTATAGCATCCTCTTGACTTTTGATAAGATATTCCAAGAGCCCAGAA[A>G]ACTTGTCTGCTTTTAAAGCTACTAGGTTTCTCCTGCATCTCTCTACTTGAAGTGGCTCAC-3'
Protein context (NP_060124.2, residues 1334-1354): RNLVALKADK[Phe1344Ser]SGLLEYLIKS

ClinVar aggregate classification (germline): Uncertain significance (1 of 4 stars; one submission).

Allele frequency attached by ClinVar (database versions not stated): gnomAD exomes below 0.00001.
gnomAD v4.1: 2 of 1,613,210 alleles (0.00012%); highest among the groups gnomAD compares: South Asian, 0.0022%; no homozygotes.

Submission:

Labcorp Genetics (formerly Invitae), Labcorp
Classification: Uncertain significance. Last evaluated: 2023-01-16. Review status: criteria provided, single submitter. Criteria: Invitae Variant Classification Sherloc (09022015). Collection method: clinical testing. Allele origin: germline.
Comment: In summary, the available evidence is currently insufficient to determine the role of this variant in disease. Therefore, it has been classified as a Variant of Uncertain Significance. Advanced modeling of protein sequence and biophysical properties (such as structural, functional, and spatial information, amino acid conservation, physicochemical variation, residue mobility, and thermodynamic stability) has been performed at Invitae for this missense variant, however the output from this modeling did not meet the statistical confidence thresholds required to predict the impact of this variant on SAMD9 protein function. This variant has not been reported in the literature in individuals affected with SAMD9-related conditions. This variant is not present in population databases (gnomAD no frequency). This sequence change replaces phenylalanine, which is neutral and non-polar, with serine, which is neutral and polar, at codon 1344 of the SAMD9 protein (p.Phe1344Ser).